The following is an entry in ClinVar:

NM_000330.4(RS1):c.-9G>A

Gene: RS1 (retinoschisin 1; minus strand). Cytogenetic location: Xp22.13.
Variant type: single nucleotide variant.
Coding change: c.-9G>A on transcript NM_000330.4 (MANE Select); 9 bases upstream of the start codon, G replaced by A.
Molecular consequence: 5 prime UTR variant.
Genome position (GRCh38, 1-based): chrX:18,672,077, C>T on the plus strand (G>A on the coding strand, the complement: RS1 is on the minus strand). VCF-style: chrX-18672077-C-T. GRCh37 (hg19) VCF-style: chrX-18690197-C-T.
Identifiers: ClinVar variation 4949132 (VCV004949132.2).
Genomic context (GRCh38, chrX:18,672,077, plus strand): 5'-CTTCATAGCCAAAGAGAAGTAATAACAAAAAGCCTTCTATCTTGCGTGACATCTTCCCCT[C>T]GTCCTCGGCCAAAGCTCTACCTTACTGAACTGGAGAGCTGGCCCAGGAGCAGGGGATTAA-3'

ClinVar aggregate classification (germline): Benign/Likely benign. Review status: criteria provided, multiple submitters, no conflicts (2 of 4 stars). 2 submissions from 2 submitters: Benign (1); Likely benign (1). Last evaluated 2025-03-19.

Conditions:
RS1-related disorder. Also called: RS1-related condition.

gnomAD v4.1: 62 of 1,205,817 alleles (0.0051%); highest among the groups gnomAD compares: African/African-American, 0.065%; no homozygotes.

Submissions (2):

PreventionGenetics, part of Exact Sciences
Classification: Likely benign for RS1-related condition. Last evaluated: 2025-03-19. Review status: criteria provided, single submitter. Criteria: ACMG Guidelines, 2015. Collection method: clinical testing. Allele origin: germline.
Comment: This variant is classified as likely benign based on ACMG/AMP sequence variant interpretation guidelines (Richards et al. 2015 PMID: 25741868, with internal and published modifications).

Blueprint Genetics
Classification: Benign. Last evaluated: 2024-02-16. Review status: criteria provided, single submitter. Criteria: ACMG Guidelines, 2015. Collection method: clinical testing. Allele origin: germline.